The following is an entry in ClinVar:

ClinVar aggregate classification (germline): Uncertain significance. Review status: criteria provided, multiple submitters, no conflicts (2 of 4 stars). 2 submissions from 2 submitters: Uncertain significance (2). Last evaluated 2025-05-05.

Conditions:
Fanconi anemia complementation group I (FANCI). Also called: FANCI-Related Fanconi Anemia. Identifiers: Orphanet 84, MedGen C1836861, MONDO:0012186, OMIM 609053.
Fanconi anemia (FA). Also called: Fanconi's anemia. Identifiers: Orphanet 84, MedGen C0015625, MeSH D005199, MONDO:0019391.

Allele frequency attached by ClinVar (database versions not stated): gnomAD exomes below 0.00001; ExAC 0.00001.
gnomAD v4.1: 1 of 1,614,078 alleles (0.000062%); highest among the groups gnomAD compares: Admixed American, 0.0017%; no homozygotes.

Submissions (2):

Labcorp Genetics (formerly Invitae), Labcorp
Classification: Uncertain significance for Fanconi anemia. Last evaluated: 2025-05-05. Review status: criteria provided, single submitter. Criteria: Invitae Variant Classification Sherloc (09022015). Collection method: clinical testing. Allele origin: germline.
Comment: This sequence change affects codon 1217 of the FANCI mRNA. It is a 'silent' change, meaning that it does not change the encoded amino acid sequence of the FANCI protein. This variant also falls at the last nucleotide of exon 34, which is part of the consensus splice site for this exon. This variant is present in population databases (rs766147964, gnomAD 0.003%). This variant has not been reported in the literature in individuals affected with FANCI-related conditions. ClinVar contains an entry for this variant (Variation ID: 888033). Variants that disrupt the consensus splice site are a relatively common cause of aberrant splicing (PMID: 17576681, 9536098). Algorithms developed to predict the effect of sequence changes on RNA splicing suggest that this variant may disrupt the consensus splice site. In summary, the available evidence is currently insufficient to determine the role of this variant in disease. Therefore, it has been classified as a Variant of Uncertain Significance.

Illumina Laboratory Services, Illumina
Classification: Uncertain significance for Fanconi anemia complementation group I. Last evaluated: 2018-01-13. Review status: criteria provided, single submitter. Criteria: ICSL Variant Classification Criteria 13 December 2019. Collection method: clinical testing. Allele origin: germline.

Literature cited by the submitters: PubMed 17576681 (cited by Labcorp Genetics (formerly Invitae), Labcorp); PubMed 9536098 (cited by Labcorp Genetics (formerly Invitae), Labcorp).

NM_001113378.2(FANCI):c.3651G>A (p.Gln1217=)

Gene: FANCI (FA complementation group I; plus strand). Cytogenetic location: 15q26.1.
Variant type: single nucleotide variant.
Coding change: c.3651G>A on transcript NM_001113378.2 (MANE Select); coding-DNA position 3651, G replaced by A.
Protein change: p.Gln1217=; no amino-acid change (glutamine 1217 retained).
Molecular consequence: synonymous variant.
Genome position (GRCh38, 1-based): chr15:89,307,672, G>A. VCF-style: chr15-89307672-G-A. GRCh37 (hg19) VCF-style: chr15-89850903-G-A.
Other names: c.3372G>A, p.Gln1124= (NM_001376910.1); c.3651G>A, p.Gln1217= (NM_001376911.1); c.3471G>A, p.Gln1157= (NM_018193.3).
Identifiers: ClinVar variation 888033 (VCV000888033.7), dbSNP rs766147964, ClinGen allele CA7723799.
Genomic context (GRCh38, chr15:89,307,672, plus strand): 5'-GGTGAAGCTGTCTGGTTCTCATCTGACCCCCCTGTGTTATTCTTTCATTTCTTACGTACA[G>A]GTAAGAGATTCAGAGGCAGTACCCAATAGGTCTTCAAGAAAGGATTTCTTACATGCCCAG-3'
Protein context (NP_001106849.1, residues 1207-1227): PLCYSFISYV[Gln1217=]NKSKSLNYTG